The following is an entry in ClinVar:

ClinVar aggregate classification (germline): Uncertain significance. Review status: criteria provided, multiple submitters, no conflicts (2 of 4 stars). 8 submissions from 7 submitters: Uncertain significance (7). 1 of the submissions does not count toward it. Last evaluated 2024-12-16.

Conditions:
Inborn genetic diseases. Identifiers: MedGen C0950123, MeSH D030342.
Retinitis pigmentosa 39 (RP39). Identifiers: Orphanet 791, MedGen C3151138, MONDO:0013436, OMIM 613809.
Usher syndrome type 2A. Also called: RETINAL DISEASE IN USHER SYNDROME TYPE IIA, MODIFIER OF; USHER SYNDROME, TYPE IIA. Identifiers: Orphanet 231178, Orphanet 886, MedGen C1848634, MONDO:0010169, OMIM 276901.

Allele frequency attached by ClinVar (database versions not stated): gnomAD exomes 0.00001 and 0.00002; ExAC 0.00002; gnomAD 0.00005 and 0.00006; TOPMed 0.00006.
gnomAD v4.1: 15 of 1,613,410 alleles (0.00093%); highest among the groups gnomAD compares: African/African-American, 0.016%; no homozygotes.

Submissions (8):

GeneDx
Classification: Uncertain significance. Last evaluated: 2024-12-16. Review status: criteria provided, single submitter. Criteria: GeneDx Variant Classification Process June 2021. Collection method: clinical testing. Allele origin: germline. Affected: yes.
Comment: In silico analysis supports that this missense variant has a deleterious effect on splicing; In silico analysis indicates that this missense variant does not alter protein structure/function; Has not been previously published as pathogenic or benign to our knowledge

Genome-Nilou Lab
Classification: Uncertain significance for Retinitis pigmentosa 39. Last evaluated: 2023-11-04. Review status: criteria provided, single submitter. Criteria: ACMG Guidelines, 2015. Collection method: clinical testing. Allele origin: germline. Affected: no.

Genome-Nilou Lab
Classification: Uncertain significance for Usher syndrome type 2A. Last evaluated: 2023-11-04. Review status: criteria provided, single submitter. Criteria: ACMG Guidelines, 2015. Collection method: clinical testing. Allele origin: germline. Affected: no.

Blueprint Genetics
Classification: Uncertain significance. Last evaluated: 2023-01-31. Review status: criteria provided, single submitter. Criteria: ACMG Guidelines, 2015. Collection method: clinical testing. Allele origin: germline.

Labcorp Genetics (formerly Invitae), Labcorp
Classification: Uncertain significance. Last evaluated: 2022-07-19. Review status: criteria provided, single submitter. Criteria: Invitae Variant Classification Sherloc (09022015). Collection method: clinical testing. Allele origin: germline.
Comment: This sequence change replaces alanine, which is neutral and non-polar, with valine, which is neutral and non-polar, at codon 1952 of the USH2A protein (p.Ala1952Val). This variant is present in population databases (rs773405046, gnomAD 0.03%). This variant has not been reported in the literature in individuals affected with USH2A-related conditions. ClinVar contains an entry for this variant (Variation ID: 517240). Algorithms developed to predict the effect of missense changes on protein structure and function are either unavailable or do not agree on the potential impact of this missense change (SIFT: "Deleterious"; PolyPhen-2: "Benign"; Align-GVGD: "Class C0"). Algorithms developed to predict the effect of sequence changes on RNA splicing suggest that this variant may disrupt the consensus splice site. In summary, the available evidence is currently insufficient to determine the role of this variant in disease. Therefore, it has been classified as a Variant of Uncertain Significance.

Ambry Genetics
Classification: Uncertain significance for Inborn genetic diseases. Last evaluated: 2021-08-12. Review status: criteria provided, single submitter. Criteria: Ambry Variant Classification Scheme 2023. Collection method: clinical testing. Allele origin: germline.

Laboratory for Molecular Medicine, Mass General Brigham Personalized Medicine
Classification: Uncertain significance. Last evaluated: 2017-01-28. Review status: criteria provided, single submitter. Criteria: LMM Criteria. Collection method: clinical testing. Allele origin: germline. Observed: 1 variant allele.
Comment: The p.Ala1952Val variant in USH2A has not been previously reported in individual s with hearing loss. This variant has been identified in 3/10332 of African chro mosomes by the Exome Aggregation Consortium (ExAC, g; dbSNP rs773405046). Although this variant has been seen in the general popula tion, its frequency is not high enough to rule out a pathogenic role. Computatio nal prediction tools and conservation analyses do not provide strong support for or against an impact to the protein. This variant affects a nucleotide position located in the 5' splice region; however, computational tools do not provide st rong support for or against an impact to splicing. In summary, the clinical sign ificance of the p.Ala1952Val variant is uncertain.

Natera, Inc.
Classification: Uncertain significance for Usher syndrome type 2A. Last evaluated: 2020-01-24. Review status: no assertion criteria provided. Collection method: clinical testing. Allele origin: germline. Not counted in ClinVar's aggregate classification.

NM_206933.4(USH2A):c.5855C>T (p.Ala1952Val)

Genes: USH2A (usherin; minus strand), USH2A-AS2 (USH2A antisense RNA 2; plus strand). Cytogenetic location: 1q41.
Variant type: single nucleotide variant.
Coding change: c.5855C>T on transcript NM_206933.4 (MANE Select); coding-DNA position 5855, C replaced by T.
Protein change: p.Ala1952Val; replaces alanine 1952 with valine.
Molecular consequence: missense variant.
Genome position (GRCh38, 1-based): chr1:216,072,891, G>A on the plus strand (C>T on the coding strand, the complement: USH2A is on the minus strand). VCF-style: chr1-216072891-G-A. GRCh37 (hg19) VCF-style: chr1-216246233-G-A.
Other names: short protein forms A1952V.
Identifiers: ClinVar variation 517240 (VCV000517240.12), dbSNP rs773405046, ClinGen allele CA1395334.